The following is an entry in ClinVar:

NM_005633.4(SOS1):c.3575A>G (p.Tyr1192Cys)

Gene: SOS1 (SOS Ras/Rac guanine nucleotide exchange factor 1; minus strand). Cytogenetic location: 2p22.1.
Variant type: single nucleotide variant.
Coding change: c.3575A>G on transcript NM_005633.4 (MANE Select); coding-DNA position 3575, A replaced by G.
Protein change: p.Tyr1192Cys; replaces tyrosine 1192 with cysteine.
Molecular consequence: missense variant.
Genome position (GRCh38, 1-based): chr2:38,986,251, T>C on the plus strand (A>G on the coding strand, the complement: SOS1 is on the minus strand). VCF-style: chr2-38986251-T-C. GRCh37 (hg19) VCF-style: chr2-39213392-T-C.
Other names: c.3554A>G, p.Tyr1185Cys (NM_001382394.1); c.3530A>G, p.Tyr1177Cys (NM_001382395.1); short protein forms Y1177C, Y1185C, Y1192C.
Identifiers: ClinVar variation 2788748 (VCV002788748.3), dbSNP rs2528872567, ClinGen allele CA346362835.

ClinVar aggregate classification (germline): Uncertain significance (1 of 4 stars; one submission).

Conditions:
RASopathy. Also called: Noonan spectrum disorder; rasopathies. Identifiers: Orphanet 536391, MedGen C5555857, MONDO:0021060.

Submission:

Labcorp Genetics (formerly Invitae), Labcorp
Classification: Uncertain significance for RASopathy. Last evaluated: 2023-02-13. Review status: criteria provided, single submitter. Criteria: Invitae Variant Classification Sherloc (09022015). Collection method: clinical testing. Allele origin: germline.
Comment: This sequence change replaces tyrosine, which is neutral and polar, with cysteine, which is neutral and slightly polar, at codon 1192 of the SOS1 protein (p.Tyr1192Cys). In summary, the available evidence is currently insufficient to determine the role of this variant in disease. Therefore, it has been classified as a Variant of Uncertain Significance. Advanced modeling of protein sequence and biophysical properties (such as structural, functional, and spatial information, amino acid conservation, physicochemical variation, residue mobility, and thermodynamic stability) performed at Invitae indicates that this missense variant is not expected to disrupt SOS1 protein function. This variant has not been reported in the literature in individuals affected with SOS1-related conditions. This variant is not present in population databases (gnomAD no frequency).